The following is an entry in ClinVar:

ClinVar aggregate classification (germline): Uncertain significance. Review status: criteria provided, multiple submitters, no conflicts (2 of 4 stars). 3 submissions from 3 submitters: Uncertain significance (3). Last evaluated 2025-10-18.

Conditions:
Oligodontia-cancer predisposition syndrome. Also called: TOOTH AGENESIS-COLORECTAL CANCER SYNDROME. Identifiers: Orphanet 300576, MedGen C1837750, MONDO:0012075, OMIM 608615. Disease mechanism: loss of function.
Hereditary cancer-predisposing syndrome. Also called: Tumor predisposition; Hereditary neoplastic syndrome; Neoplastic Syndromes, Hereditary; Hereditary Cancer Syndrome. Identifiers: Orphanet 140162, MedGen C0027672, MeSH D009386, MONDO:0015356.
Colorectal cancer. Also called: Colorectal cancer, somatic; Malignant Colorectal Neoplasm. Identifiers: MedGen C0346629, MONDO:0005575, OMIM 114500.

Allele frequency attached by ClinVar (database versions not stated): gnomAD exomes 0.00001.

Submissions (3):

Labcorp Genetics (formerly Invitae), Labcorp
Classification: Uncertain significance for Oligodontia-cancer predisposition syndrome. Last evaluated: 2025-10-18. Review status: criteria provided, single submitter. Criteria: Invitae Variant Classification Sherloc (09022015). Collection method: clinical testing. Allele origin: germline.
Comment: This sequence change replaces arginine, which is basic and polar, with histidine, which is basic and polar, at codon 339 of the AXIN2 protein (p.Arg339His). This variant is not present in population databases (gnomAD no frequency). This missense change has been observed in individual(s) with pancreatic cancer (PMID: 36896836). ClinVar contains an entry for this variant (Variation ID: 859672). Invitae Evidence Modeling of protein sequence and biophysical properties (such as structural, functional, and spatial information, amino acid conservation, physicochemical variation, residue mobility, and thermodynamic stability) indicates that this missense variant is expected to disrupt AXIN2 protein function with a positive predictive value of 80%. In summary, the available evidence is currently insufficient to determine the role of this variant in disease. Therefore, it has been classified as a Variant of Uncertain Significance.

Baylor Genetics
Classification: Uncertain significance for Colorectal cancer. Last evaluated: 2024-03-09. Review status: criteria provided, single submitter. Criteria: ACMG Guidelines, 2015. Collection method: clinical testing. Allele origin: unknown.

Ambry Genetics
Classification: Uncertain significance for Hereditary cancer-predisposing syndrome. Last evaluated: 2023-12-11. Review status: criteria provided, single submitter. Criteria: Ambry Variant Classification Scheme 2023. Collection method: clinical testing. Allele origin: germline.
Comment: The p.R339H variant (also known as c.1016G>A), located in coding exon 3 of the AXIN2 gene, results from a G to A substitution at nucleotide position 1016. The arginine at codon 339 is replaced by histidine, an amino acid with highly similar properties. This amino acid position is conserved. In addition, the in silico prediction for this alteration is inconclusive. Since supporting evidence is limited at this time, the clinical significance of this alteration remains unclear.

Literature cited by the submitters: PubMed 36896836 (cited by Labcorp Genetics (formerly Invitae), Labcorp).

NM_004655.4(AXIN2):c.1016G>A (p.Arg339His)

Gene: AXIN2 (axin 2; minus strand). Cytogenetic location: 17q24.1.
Variant type: single nucleotide variant.
Coding change: c.1016G>A on transcript NM_004655.4 (MANE Select); coding-DNA position 1016, G replaced by A.
Protein change: p.Arg339His; replaces arginine 339 with histidine.
Molecular consequence: missense variant.
Genome position (GRCh38, 1-based): chr17:65,541,498, C>T on the plus strand (G>A on the coding strand, the complement: AXIN2 is on the minus strand). VCF-style: chr17-65541498-C-T. GRCh37 (hg19) VCF-style: chr17-63537616-C-T.
Other names: c.1016G>A, p.Arg339His (NM_001363813.1); short protein forms R339H.
Identifiers: ClinVar variation 859672 (VCV000859672.10), dbSNP rs2044042346, ClinGen allele CA400679227.
Genomic context (GRCh38, chr17:65,541,498, plus strand): 5'-CTCCAGACTGTACTCACCGGGAAATGAGGTAGAGACACTTGGCCATTGGCCTTCACACTG[C>T]GATGCATTTCTCTCTGGAGCTGTTTCTTACTGCCCACACGATAAGGAGGAATTCCATCTC-3'
Protein context (NP_004646.3, residues 329-349): SKKQLQREMH[Arg339His]SVKANGQVSL